The following is an entry in ClinVar:

ClinVar aggregate classification (germline): Uncertain significance. Review status: criteria provided, multiple submitters, no conflicts (2 of 4 stars). 3 submissions from 3 submitters: Uncertain significance (3). Last evaluated 2024-01-30.

Conditions:
Cole-Carpenter syndrome 2 (CLCRP2). Identifiers: Orphanet 2050, MedGen C4225382, MONDO:0014573, OMIM 616294.

Allele frequency attached by ClinVar (database versions not stated): ExAC 0.00002; gnomAD 0.00002; TOPMed 0.00002.

Submissions (3):

Fulgent Genetics
Classification: Uncertain significance for Cole-Carpenter syndrome 2. Last evaluated: 2024-01-30. Review status: criteria provided, single submitter. Criteria: ACMG Guidelines, 2015. Collection method: clinical testing. Allele origin: germline.

Labcorp Genetics (formerly Invitae), Labcorp
Classification: Uncertain significance. Last evaluated: 2022-06-24. Review status: criteria provided, single submitter. Criteria: Invitae Variant Classification Sherloc (09022015). Collection method: clinical testing. Allele origin: germline.
Comment: In summary, the available evidence is currently insufficient to determine the role of this variant in disease. Therefore, it has been classified as a Variant of Uncertain Significance. Algorithms developed to predict the effect of missense changes on protein structure and function are either unavailable or do not agree on the potential impact of this missense change (SIFT: "Not Available"; PolyPhen-2: "Probably Damaging"; Align-GVGD: "Not Available"). This variant has not been reported in the literature in individuals affected with SEC24D-related conditions. This variant is present in population databases (rs763522207, gnomAD 0.007%). This sequence change replaces proline, which is neutral and non-polar, with serine, which is neutral and polar, at codon 261 of the SEC24D protein (p.Pro261Ser).

Blueprint Genetics
Classification: Uncertain significance. Last evaluated: 2020-10-27. Review status: criteria provided, single submitter. Criteria: ACMG Guidelines, 2015. Collection method: clinical testing. Allele origin: germline.

NM_014822.4(SEC24D):c.781C>T (p.Pro261Ser)

Gene: SEC24D (SEC24 homolog D, COPII component; minus strand). Cytogenetic location: 4q26.
Variant type: single nucleotide variant.
Coding change: c.781C>T on transcript NM_014822.4 (MANE Select); coding-DNA position 781, C replaced by T.
Protein change: p.Pro261Ser; replaces proline 261 with serine.
Molecular consequence: missense variant.
Genome position (GRCh38, 1-based): chr4:118,815,048, G>A on the plus strand (C>T on the coding strand, the complement: SEC24D is on the minus strand). VCF-style: chr4-118815048-G-A. GRCh37 (hg19) VCF-style: chr4-119736203-G-A.
Other names: c.784C>T, p.Pro262Ser (NM_001318066.2); short protein forms P262S, P261S.
Identifiers: ClinVar variation 2066124 (VCV002066124.6), dbSNP rs763522207, ClinGen allele CA3057448.